The following is an entry in ClinVar:

NM_000455.5(STK11):c.139G>A (p.Gly47Ser)

Gene: STK11 (serine/threonine kinase 11; plus strand). Cytogenetic location: 19p13.3.
Variant type: single nucleotide variant.
Coding change: c.139G>A on transcript NM_000455.5 (MANE Select); coding-DNA position 139, G replaced by A.
Protein change: p.Gly47Ser; replaces glycine 47 with serine.
Molecular consequence: missense variant.
Genome position (GRCh38, 1-based): chr19:1,207,052, G>A. VCF-style: chr19-1207052-G-A. GRCh37 (hg19) VCF-style: chr19-1207051-G-A.
Other names: c.139G>A, p.Gly47Ser (NM_001407255.1); short protein forms G47S.
Identifiers: ClinVar variation 1771736 (VCV001771736.8), dbSNP rs2145405098, ClinGen allele CA402944034.

ClinVar aggregate classification (germline): Uncertain significance. Review status: criteria provided, multiple submitters, no conflicts (2 of 4 stars). 2 submissions from 2 submitters: Uncertain significance (2). Last evaluated 2025-06-24.

Conditions:
Hereditary cancer-predisposing syndrome. Also called: Tumor predisposition; Neoplastic Syndromes, Hereditary; Hereditary Cancer Syndrome; Hereditary neoplastic syndrome. Identifiers: Orphanet 140162, MedGen C0027672, MeSH D009386, MONDO:0015356.
Peutz-Jeghers syndrome (PJS). Also called: POLYPOSIS, HAMARTOMATOUS INTESTINAL; POLYPS-AND-SPOTS SYNDROME; Peutz-Jeghers polyposis; Periorificial lentiginosis syndrome. Identifiers: Orphanet 2869, MedGen C0031269, MeSH D010580, MONDO:0008280, OMIM 175200.

Allele frequency attached by ClinVar (database versions not stated): gnomAD exomes below 0.00001.
gnomAD v4.1: 1 of 1,613,878 alleles (0.000062%); highest among the groups gnomAD compares: Non-Finnish European, 0.000085%; no homozygotes.

Submissions (2):

Ambry Genetics
Classification: Uncertain significance for Hereditary cancer-predisposing syndrome. Last evaluated: 2025-06-24. Review status: criteria provided, single submitter. Criteria: Ambry Variant Classification Scheme 2023. Collection method: clinical testing. Allele origin: germline.
Comment: The p.G47S variant (also known as c.139G>A), located in coding exon 1 of the STK11 gene, results from a G to A substitution at nucleotide position 139. The glycine at codon 47 is replaced by serine, an amino acid with similar properties. This amino acid position is highly conserved in available vertebrate species. In addition, the in silico prediction for this alteration is inconclusive. Based on the available evidence, the clinical significance of this variant remains unclear.

Labcorp Genetics (formerly Invitae), Labcorp
Classification: Uncertain significance for Peutz-Jeghers syndrome. Last evaluated: 2024-05-08. Review status: criteria provided, single submitter. Criteria: Invitae Variant Classification Sherloc (09022015). Collection method: clinical testing. Allele origin: germline.
Comment: This sequence change replaces glycine, which is neutral and non-polar, with serine, which is neutral and polar, at codon 47 of the STK11 protein (p.Gly47Ser). This variant is not present in population databases (gnomAD no frequency). This variant has not been reported in the literature in individuals affected with STK11-related conditions. ClinVar contains an entry for this variant (Variation ID: 1771736). Advanced modeling of protein sequence and biophysical properties (such as structural, functional, and spatial information, amino acid conservation, physicochemical variation, residue mobility, and thermodynamic stability) performed at Invitae indicates that this missense variant is expected to disrupt STK11 protein function with a positive predictive value of 80%. In summary, the available evidence is currently insufficient to determine the role of this variant in disease. Therefore, it has been classified as a Variant of Uncertain Significance.